The following is an entry in ClinVar:

NM_015330.6(SPECC1L):c.2426_2427del (p.Asn809fs)

Genes: SPECC1L (sperm antigen with calponin homology and coiled-coil domains 1 like; plus strand), SPECC1L-ADORA2A (SPECC1L-ADORA2A readthrough (NMD candidate); plus strand). Cytogenetic location: 22q11.23.
Variant type: Deletion.
Coding change: c.2426_2427del on transcript NM_015330.6 (MANE Select); coding-DNA positions 2426 to 2427, 2 bases deleted (AT; older notation c.2426_2427delAT).
Protein change: p.Asn809fs; shifts the reading frame from asparagine 809.
Molecular consequence: frameshift variant. On other transcripts: non-coding transcript variant (1).
Genome position (GRCh38, 1-based): chr22:24,334,439-24,334,440, AT deleted. VCF-style (leftmost placement, unchanged base first): chr22-24334438-AAT-A. GRCh37 (hg19) VCF-style: chr22-24730406-AAT-A.
Other names: c.2426_2427del, p.Asn809fs (NM_001145468.4, NM_001254732.3); short protein forms N809fs.
Identifiers: ClinVar variation 2631481 (VCV002631481.1), dbSNP rs1423862723, ClinGen allele CA751850166.

ClinVar aggregate classification (germline): Uncertain significance (1 of 4 stars; one submission).

Conditions:
SPECC1L-related disorder. Also called: SPECC1L-related condition.

Allele frequency attached by ClinVar (database versions not stated): TOPMed below 0.00001; gnomAD 0.00001.

Submission:

PreventionGenetics, part of Exact Sciences
Classification: Uncertain significance for SPECC1L-related condition. Last evaluated: 2023-08-04. Review status: criteria provided, single submitter. Criteria: ACMG Guidelines, 2015. Collection method: clinical testing. Allele origin: germline.
Comment: The SPECC1L c.2426_2427delAT variant is predicted to result in a frameshift and premature protein termination (p.Asn809Ilefs*6). To our knowledge, this variant has not been reported in the literature or in a large population database, indicating this variant is rare. Loss of function has not been conclusively established as a mechanism for SPECC1L-related disorders. Although we suspect that this variant may be pathogenic, at this time, the clinical significance of this variant is uncertain due to the absence of conclusive functional and genetic evidence.